The following is an entry in ClinVar:

NM_194454.3(KRIT1):c.1904dup (p.Tyr635Ter)

Gene: KRIT1 (KRIT1 ankyrin repeat containing; minus strand). Cytogenetic location: 7q21.2.
Variant type: Duplication.
Coding change: c.1904dup on transcript NM_194454.3 (MANE Select); coding-DNA position 1904, one base duplicated (A; older notation c.1904dupA).
Protein change: p.Tyr635Ter; replaces tyrosine 635 with a stop codon.
Molecular consequence: nonsense.
Genome position (GRCh38, 1-based): chr7:92,213,316, T duplicated on the plus strand (A on the coding strand, the reverse complement: KRIT1 is on the minus strand). VCF-style (leftmost placement, unchanged base first): chr7-92213315-A-AT. GRCh37 (hg19) VCF-style: chr7-91842629-A-AT.
Other names: c.1760dup, p.Tyr587Ter (NM_001013406.2, NM_001350669.1, NM_001350670.1); c.1190dup, p.Tyr397Ter (NM_001350671.1); c.1904dup, p.Tyr635Ter (NM_001350672.1, NM_001350673.1, NM_001350674.1 and 26 more transcripts); short protein forms Y397*, Y587*, Y635*.
Identifiers: ClinVar variation 3720758 (VCV003720758.2).

ClinVar aggregate classification (germline): Pathogenic (1 of 4 stars; one submission).

Conditions:
Cerebral cavernous malformation (CCM). Also called: Cerebral cavernous malformations; Cavernous Hemangioma of Brain; CAVERNOUS ANGIOMA, FAMILIAL; CAVERNOUS ANGIOMATOUS MALFORMATIONS; CEREBRAL CAPILLARY MALFORMATIONS; Cerebral cavernous hemangioma (type). Identifiers: Orphanet 221061, MedGen C2919945, MONDO:0000820, OMIM 116860, HP:0033522.

Submission:

Labcorp Genetics (formerly Invitae), Labcorp
Classification: Pathogenic for Cerebral cavernous malformation. Last evaluated: 2024-09-01. Review status: criteria provided, single submitter. Criteria: Invitae Variant Classification Sherloc (09022015). Collection method: clinical testing. Allele origin: germline.
Comment: This sequence change creates a premature translational stop signal (p.Tyr635*) in the KRIT1 gene. It is expected to result in an absent or disrupted protein product. Loss-of-function variants in KRIT1 are known to be pathogenic (PMID: 10508515, 11222804, 12404106, 24689081). This variant is not present in population databases (gnomAD no frequency). This premature translational stop signal has been observed in individual(s) with cerebral cavernous malformations (PMID: 17345049). For these reasons, this variant has been classified as Pathogenic.

Literature cited by the submitters: PubMed 10508515; PubMed 11222804; PubMed 12404106; PubMed 24689081; PubMed 17345049.